The following is an entry in ClinVar:

ClinVar aggregate classification (germline): Likely benign (1 of 4 stars; one submission).

Allele frequency attached by ClinVar (database versions not stated): ExAC 0.00026; gnomAD 0.00055.
gnomAD v4.1: 464 of 651,378 alleles (0.071%); highest among the groups gnomAD compares: Non-Finnish European, 0.11%; 1 homozygote.

Submission:

CeGaT Center for Human Genetics Tuebingen
Classification: Likely benign. Last evaluated: 2022-11-01. Review status: criteria provided, single submitter. Criteria: CeGaT Center For Human Genetics Tuebingen Variant Classification Criteria Version 2. Collection method: clinical testing. Allele origin: germline. Affected: yes. Observed: 1 variant allele.
Comment: ITCH: BP4

NM_031483.7(ITCH):c.475+3343G>A

Gene: ITCH (itchy E3 ubiquitin protein ligase; plus strand). Cytogenetic location: 20q11.22.
Variant type: single nucleotide variant.
Coding change: c.475+3343G>A on transcript NM_031483.7 (MANE Select); 3343 bases into the intron after coding-DNA position 475, G replaced by A.
Molecular consequence: intron variant. On other transcripts: missense variant (2).
Genome position (GRCh38, 1-based): chr20:34,417,222, G>A. VCF-style: chr20-34417222-G-A. GRCh37 (hg19) VCF-style: chr20-33005028-G-A.
Other names: c.581G>A, p.Arg194Gln (NM_001257137.3, NM_001324197.2); c.475+3343G>A (NM_001324198.2); c.145+3343G>A (NM_001257138.3); short protein forms R194Q.
Identifiers: ClinVar variation 1879534 (VCV001879534.29), dbSNP rs530510456, ClinGen allele CA9821329.